The following is an entry in ClinVar:

ClinVar aggregate classification (germline): Pathogenic (1 of 4 stars; one submission).

Conditions:
Familial hemophagocytic lymphohistiocytosis 2 (FHL2). Also called: PRF1-Related Familial Hemophagocytic Lymphohistiocytosis (PRF1-fHLH). Identifiers: Orphanet 540, MedGen C1863727, MONDO:0011337, OMIM 603553.

Submission:

Labcorp Genetics (formerly Invitae), Labcorp
Classification: Pathogenic for Familial hemophagocytic lymphohistiocytosis 2. Last evaluated: 2019-11-04. Review status: criteria provided, single submitter. Criteria: Invitae Variant Classification Sherloc (09022015). Collection method: clinical testing. Allele origin: germline.
Comment: A gross deletion of the genomic region encompassing the full coding sequence of the PRF1 gene has been identified. The boundaries of this event are unknown as the deletion extends beyond the assayed region for this gene and therefore may encompass additional genes. This variant has not been reported in the literature in individuals with PRF1-related conditions. Loss-of-function variants in PRF1 are known to be pathogenic (PMID: 1156555, 16860143). For these reasons, this variant has been classified as Pathogenic.

Literature cited by the submitters: PubMed 1156555; PubMed 16860143.

NC_000010.11:g.(?_70598033)_(70600922_?)del

Gene: PRF1 (perforin 1; minus strand). Cytogenetic location: 10q22.1.
Variant type: Deletion.
Identifiers: ClinVar variation 831689 (VCV000831689.4).